The following is an entry in ClinVar:

NM_012338.4(TSPAN12):c.313T>C (p.Cys105Arg)

Gene: TSPAN12 (tetraspanin 12; minus strand). Cytogenetic location: 7q31.31.
Variant type: single nucleotide variant.
Coding change: c.313T>C on transcript NM_012338.4 (MANE Select); coding-DNA position 313, T replaced by C.
Protein change: p.Cys105Arg; replaces cysteine 105 with arginine.
Molecular consequence: missense variant.
Genome position (GRCh38, 1-based): chr7:120,815,776, A>G on the plus strand (T>C on the coding strand, the complement: TSPAN12 is on the minus strand). VCF-style: chr7-120815776-A-G. GRCh37 (hg19) VCF-style: chr7-120455830-A-G.
Other names: short protein forms C105R.
Identifiers: ClinVar variation 1705603 (VCV001705603.1), dbSNP rs2485362937, ClinGen allele CA369138964.

ClinVar aggregate classification (germline): Uncertain significance (1 of 4 stars; one submission).

Conditions:
Exudative vitreoretinopathy 5 (EVR5). Identifiers: Orphanet 891, MedGen C2750079, MONDO:0013218, OMIM 613310.

Submission:

3billion
Classification: Uncertain significance for Exudative vitreoretinopathy 5. Last evaluated: 2022-09-01. Review status: criteria provided, single submitter. Criteria: ACMG Guidelines, 2015. Collection method: clinical testing. Allele origin: germline. Affected: yes. Observed: 1 heterozygote.
Comment: The variant is not observed in the gnomAD v2.1.1 dataset. In silico tool predictions suggest damaging effect of the variant on gene or gene product (REVEL: 0.83; 3Cnet: 0.55). Same nucleotide change resulting in same amino acid change has been previously reported to be associated with TSPAN12-related disorder (PMID: 21552475). However, the evidence of pathogenicity is insufficient at this time. Therefore, this variant is classified as uncertain significance according to the recommendation of ACMG/AMP guideline.

Literature cited by the submitters: PubMed 21552475.